The following is an entry in ClinVar:

ClinVar aggregate classification (germline): Uncertain significance (1 of 4 stars; one submission).

Allele frequency attached by ClinVar (database versions not stated): ExAC 0.00002.
gnomAD v4.1: 118 of 1,593,206 alleles (0.0074%); highest among the groups gnomAD compares: Non-Finnish European, 0.0099%; no homozygotes.

Submission:

Labcorp Genetics (formerly Invitae), Labcorp
Classification: Uncertain significance. Last evaluated: 2023-09-27. Review status: criteria provided, single submitter. Criteria: Invitae Variant Classification Sherloc (09022015). Collection method: clinical testing. Allele origin: germline.
Comment: This variant is present in population databases (rs201150623, gnomAD 0.009%). This sequence change replaces glutamine, which is neutral and polar, with histidine, which is basic and polar, at codon 134 of the APPL1 protein (p.Gln134His). This variant has not been reported in the literature in individuals affected with APPL1-related conditions. In summary, the available evidence is currently insufficient to determine the role of this variant in disease. Therefore, it has been classified as a Variant of Uncertain Significance. Advanced modeling of protein sequence and biophysical properties (such as structural, functional, and spatial information, amino acid conservation, physicochemical variation, residue mobility, and thermodynamic stability) performed at Invitae indicates that this missense variant is not expected to disrupt APPL1 protein function.

NM_012096.3(APPL1):c.402G>C (p.Gln134His)

Gene: APPL1 (adaptor protein, phosphotyrosine interacting with PH domain and leucine zipper 1; plus strand). Cytogenetic location: 3p14.3.
Variant type: single nucleotide variant.
Coding change: c.402G>C on transcript NM_012096.3 (MANE Select); coding-DNA position 402, G replaced by C.
Protein change: p.Gln134His; replaces glutamine 134 with histidine.
Molecular consequence: missense variant.
Genome position (GRCh38, 1-based): chr3:57,242,129, G>C. VCF-style: chr3-57242129-G-C. GRCh37 (hg19) VCF-style: chr3-57276157-G-C.
Other names: short protein forms Q134H.
Identifiers: ClinVar variation 2888599 (VCV002888599.3), dbSNP rs201150623, ClinGen allele CA2463512.
Genomic context (GRCh38, chr3:57,242,129, plus strand): 5'-GCCAAACTTAAATTATTCTTGAACTTTTTCAGAAATACTAACATTAAAGGAAGTATTTCA[G>C]ATTGCAAGTAATGGTAAGCCCTATAATTTGCACACTTATTTCTTGCAGTGATGTATTTGT-3'
Protein context (NP_036228.1, residues 124-144): KEILTLKEVF[Gln134His]IASNDHDAAI